The following is an entry in ClinVar:

ClinVar aggregate classification (germline): Likely pathogenic (1 of 4 stars; one submission).

Conditions:
Nemaline myopathy 2 (NEM2). Also called: Nemaline myopathy 2, autosomal recessive. Identifiers: MedGen C1850569, MONDO:0009725, OMIM 256030.

Submission:

Myriad Genetics, Inc.
Classification: Likely pathogenic for Nemaline myopathy 2. Last evaluated: 2022-03-30. Review status: criteria provided, single submitter. Criteria: Myriad Women's Health Autosomal Recessive and X-Linked Classification Criteria (2021). Collection method: clinical testing. Allele origin: unknown.
Comment: NM_001271208.1(NEB):c.1254_1255delTG(S418Rfs*2) is expected to be pathogenic in the context of NEB-related nemaline myopathy. This variant is predicted to lead to an abnormal or absent protein product due to the creation of a premature termination codon in NEB, a gene where loss-of-function variants are known to be pathogenic. Please note: this variant was assessed in the context of healthy population screening.

NM_001164508.2(NEB):c.1254_1255del (p.Ser418fs)

Gene: NEB (nebulin; minus strand). Cytogenetic location: 2q23.3.
Variant type: Deletion.
Coding change: c.1254_1255del on transcript NM_001164508.2 (MANE Select); coding-DNA positions 1254 to 1255, 2 bases deleted (TG; older notation c.1254_1255delTG).
Protein change: p.Ser418fs; shifts the reading frame from serine 418.
Molecular consequence: frameshift variant.
Genome position (GRCh38, 1-based): chr2:151,697,546-151,697,547, CA deleted on the plus strand (TG on the coding strand, the reverse complement: NEB is on the minus strand); deleting any 2 consecutive bases within chr2:151,697,546-151,697,548 gives the same sequence; the c. name uses the placement nearest the transcript's 3' end. VCF-style (leftmost placement, unchanged base first): chr2-151697545-TCA-T. GRCh37 (hg19) VCF-style: chr2-152554059-TCA-T.
Other names: c.1254_1255del, p.Ser418fs (NM_001164507.2, NM_001271208.2, NM_004543.5); short protein forms S418fs.
Identifiers: ClinVar variation 1725614 (VCV001725614.2), dbSNP rs2552270203, ClinGen allele CA2580064078.